The following is an entry in ClinVar:

ClinVar aggregate classification (germline): Benign/Likely benign. Review status: criteria provided, multiple submitters, no conflicts (2 of 4 stars). 3 submissions from 3 submitters: Benign (1); Likely benign (1). 1 of the submissions does not count toward it. Last evaluated 2026-06-01.

Conditions:
AP3B2-related disorder. Also called: AP3B2-related condition.

Allele frequency attached by ClinVar (database versions not stated): gnomAD 0.00028 and 0.00031; 1000 Genomes Project 0.00040; 1000 Genomes Project 30x 0.00047; ExAC 0.00069; TOPMed 0.00071; gnomAD exomes 0.00079.
gnomAD v4.1: 285 of 1,613,568 alleles (0.018%); highest among the groups gnomAD compares: Admixed American, 0.44%; 1 homozygote.

Submissions (3):

CeGaT Center for Human Genetics Tuebingen
Classification: Likely benign. Last evaluated: 2026-06-01. Review status: criteria provided, single submitter. Criteria: CeGaT Center For Human Genetics Tuebingen Variant Classification Criteria Version 2. Collection method: clinical testing. Allele origin: germline. Affected: yes. Observed: 3 variant alleles.
Comment: AP3B2: BP4, BP7

Labcorp Genetics (formerly Invitae), Labcorp
Classification: Benign. Last evaluated: 2026-01-13. Review status: criteria provided, single submitter. Criteria: Invitae Variant Classification Sherloc (09022015). Collection method: clinical testing. Allele origin: germline.

PreventionGenetics, part of Exact Sciences
Classification: Likely benign for AP3B2-related condition. Last evaluated: 2019-03-21. Review status: no assertion criteria provided. Collection method: clinical testing. Allele origin: germline. Not counted in ClinVar's aggregate classification.
Comment: This variant is classified as likely benign based on ACMG/AMP sequence variant interpretation guidelines (Richards et al. 2015 PMID: 25741868, with internal and published modifications).

NM_001278512.2(AP3B2):c.768G>A (p.Gln256=)

Genes: AP3B2 (adaptor related protein complex 3 subunit beta 2; minus strand), CPEB1-AS1 (CPEB1 antisense RNA 1; plus strand). Cytogenetic location: 15q25.2.
Variant type: single nucleotide variant.
Coding change: c.768G>A on transcript NM_001278512.2 (MANE Select); coding-DNA position 768, G replaced by A.
Protein change: p.Gln256=; no amino-acid change (glutamine 256 retained).
Molecular consequence: synonymous variant.
Genome position (GRCh38, 1-based): chr15:82,680,840, C>T on the plus strand (G>A on the coding strand, the complement: AP3B2 is on the minus strand). VCF-style: chr15-82680840-C-T. GRCh37 (hg19) VCF-style: chr15-83349592-C-T.
Other names: c.672G>A, p.Gln224= (NM_001278511.2); c.768G>A, p.Gln256= (NM_004644.5).
Identifiers: ClinVar variation 778998 (VCV000778998.34), dbSNP rs200054813, ClinGen allele CA7700420.